The following is an entry in ClinVar:

NM_170707.4(LMNA):c.1115A>T (p.Glu372Val)

Gene: LMNA (lamin A/C; plus strand). Cytogenetic location: 1q22.
Variant type: single nucleotide variant.
Coding change: c.1115A>T on transcript NM_170707.4 (MANE Select); coding-DNA position 1115, A replaced by T.
Protein change: p.Glu372Val; replaces glutamic acid 372 with valine.
Molecular consequence: missense variant.
Genome position (GRCh38, 1-based): chr1:156,136,079, A>T. VCF-style: chr1-156136079-A-T. GRCh37 (hg19) VCF-style: chr1-156105870-A-T.
Other names: c.779A>T, p.Glu260Val (NM_001257374.3); c.872A>T, p.Glu291Val (NM_001282624.2); c.1115A>T, p.Glu372Val (NM_001282625.2, NM_001282626.2, NM_005572.4 and 1 more transcripts); short protein forms E260V, E291V, E372V.
Identifiers: ClinVar variation 1057529 (VCV001057529.11), dbSNP rs2102888292, ClinGen allele CA342820500.

ClinVar aggregate classification (germline): Conflicting classifications of pathogenicity. Review status: criteria provided, conflicting classifications (1 of 4 stars). 2 submissions from 2 submitters: Likely pathogenic (1); Uncertain significance (1). Last evaluated 2022-11-29.

Conditions:
Cardiovascular phenotype. Identifiers: MedGen CN230736.
Charcot-Marie-Tooth disease type 2. Also called: Charcot-Marie-Tooth type 2. Identifiers: Orphanet 64746, MedGen C0270914, MONDO:0018993.

Submissions (2):

Labcorp Genetics (formerly Invitae), Labcorp
Classification: Likely pathogenic for Charcot-Marie-Tooth disease type 2. Last evaluated: 2022-11-29. Review status: criteria provided, single submitter. Criteria: Invitae Variant Classification Sherloc (09022015). Collection method: clinical testing. Allele origin: germline.
Comment: This sequence change replaces glutamic acid, which is acidic and polar, with valine, which is neutral and non-polar, at codon 372 of the LMNA protein (p.Glu372Val). This variant is not present in population databases (gnomAD no frequency). This variant has not been reported in the literature in individuals affected with LMNA-related conditions. ClinVar contains an entry for this variant (Variation ID: 1057529). Advanced modeling of protein sequence and biophysical properties (such as structural, functional, and spatial information, amino acid conservation, physicochemical variation, residue mobility, and thermodynamic stability) performed at Invitae indicates that this missense variant is expected to disrupt LMNA protein function. Algorithms developed to predict the effect of sequence changes on RNA splicing suggest that this variant may create or strengthen a splice site. This variant disrupts the p.Glu372 amino acid residue in LMNA. Other variant(s) that disrupt this residue have been determined to be pathogenic (Invitae). This suggests that this residue is clinically significant, and that variants that disrupt this residue are likely to be disease-causing. In summary, the currently available evidence indicates that the variant is pathogenic, but additional data are needed to prove that conclusively. Therefore, this variant has been classified as Likely Pathogenic.

Ambry Genetics
Classification: Uncertain significance for Cardiovascular phenotype. Last evaluated: 2016-09-16. Review status: criteria provided, single submitter. Criteria: Ambry Variant Classification Scheme 2023. Collection method: clinical testing. Allele origin: germline.
Comment: The p.E372V variant (also known as c.1115A>T), located in coding exon 6 of the LMNA gene, results from an A to T substitution at nucleotide position 1115. The glutamic acid at codon 372 is replaced by valine, an amino acid with dissimilar properties. This variant was not reported in population based cohorts in the following databases: Database of Single Nucleotide Polymorphisms (dbSNP), NHLBI Exome Sequencing Project (ESP), and 1000 Genomes Project. In the ESP, this variant was not observed in 6503 samples (13006 alleles) with coverage at this position. This amino acid position is highly conserved in available vertebrate species. In addition, this alteration is predicted to be deleterious by in silico analysis. Since supporting evidence is limited at this time, the clinical significance of this alteration remains unclear.